The following is an entry in ClinVar:

NM_012186.3(FOXE3):c.704C>T (p.Pro235Leu)

Genes: FOXE3 (forkhead box E3; plus strand), LINC01389 (long independently transcribed non-coding RNA 1389; minus strand). Cytogenetic location: 1p33.
Variant type: single nucleotide variant.
Coding change: c.704C>T on transcript NM_012186.3 (MANE Select); coding-DNA position 704, C replaced by T.
Protein change: p.Pro235Leu; replaces proline 235 with leucine.
Molecular consequence: missense variant.
Genome position (GRCh38, 1-based): chr1:47,417,019, C>T. VCF-style: chr1-47417019-C-T. GRCh37 (hg19) VCF-style: chr1-47882691-C-T.
Other names: short protein forms P235L.
Identifiers: ClinVar variation 2448357 (VCV002448357.4), dbSNP rs2521321669, ClinGen allele CA340250547.

ClinVar aggregate classification (germline): Uncertain significance. Review status: criteria provided, multiple submitters, no conflicts (2 of 4 stars). 2 submissions from 2 submitters: Uncertain significance (2). Last evaluated 2024-02-25.

Conditions:
Cardiovascular phenotype. Identifiers: MedGen CN230736.
Congenital primary aphakia. Also called: ANTERIOR SEGMENT DYSGENESIS 2; Anterior segment dysgenesis 2, multiple subtypes. Identifiers: Orphanet 83461, MedGen C1853230, MONDO:0012456, OMIM 610256.
Anterior segment dysgenesis. Also called: Ocular anterior segment dysgenesis. Identifiers: Orphanet 88632, MedGen C1862839, MONDO:0019503, HP:0007700.

gnomAD v4.1: 2 of 1,338,500 alleles (0.00015%); highest among the groups gnomAD compares: Non-Finnish European, 0.000096%; no homozygotes.

Submissions (2):

Labcorp Genetics (formerly Invitae), Labcorp
Classification: Uncertain significance for Anterior segment dysgenesis; Congenital primary aphakia. Last evaluated: 2024-02-25. Review status: criteria provided, single submitter. Criteria: Invitae Variant Classification Sherloc (09022015). Collection method: clinical testing. Allele origin: germline.
Comment: This sequence change replaces proline, which is neutral and non-polar, with leucine, which is neutral and non-polar, at codon 235 of the FOXE3 protein (p.Pro235Leu). This variant is not present in population databases (gnomAD no frequency). This variant has not been reported in the literature in individuals affected with FOXE3-related conditions. ClinVar contains an entry for this variant (Variation ID: 2448357). Advanced modeling of protein sequence and biophysical properties (such as structural, functional, and spatial information, amino acid conservation, physicochemical variation, residue mobility, and thermodynamic stability) performed at Invitae indicates that this missense variant is not expected to disrupt FOXE3 protein function with a negative predictive value of 80%. In summary, the available evidence is currently insufficient to determine the role of this variant in disease. Therefore, it has been classified as a Variant of Uncertain Significance.

Ambry Genetics
Classification: Uncertain significance for Cardiovascular phenotype. Last evaluated: 2022-11-07. Review status: criteria provided, single submitter. Criteria: Ambry Variant Classification Scheme 2023. Collection method: clinical testing. Allele origin: germline.
Comment: The p.P235L variant (also known as c.704C>T), located in coding exon 1 of the FOXE3 gene, results from a C to T substitution at nucleotide position 704. The proline at codon 235 is replaced by leucine, an amino acid with similar properties. This amino acid position is conserved. In addition, this alteration is predicted to be tolerated by in silico analysis. Since supporting evidence is limited at this time, the clinical significance of this alteration remains unclear.